The following is an entry in ClinVar:

NM_018127.7(ELAC2):c.2359C>G (p.Leu787Val)

Gene: ELAC2 (elaC ribonuclease Z 2; minus strand). Cytogenetic location: 17p12.
Variant type: single nucleotide variant.
Coding change: c.2359C>G on transcript NM_018127.7 (MANE Select); coding-DNA position 2359, C replaced by G.
Protein change: p.Leu787Val; replaces leucine 787 with valine.
Molecular consequence: missense variant.
Genome position (GRCh38, 1-based): chr17:12,992,940, G>C on the plus strand (C>G on the coding strand, the complement: ELAC2 is on the minus strand). VCF-style: chr17-12992940-G-C. GRCh37 (hg19) VCF-style: chr17-12896257-G-C.
Other names: c.2239C>G, p.Leu747Val (NM_001165962.2); c.2356C>G, p.Leu786Val (NM_173717.2); short protein forms L786V, L787V, L747V.
Identifiers: ClinVar variation 3655518 (VCV003655518.2).

ClinVar aggregate classification (germline): Uncertain significance (1 of 4 stars; one submission).

Conditions:
Combined oxidative phosphorylation defect type 17. Also called: Combined oxidative phosphorylation deficiency 17. Identifiers: Orphanet 369913, MedGen C3809526, MONDO:0014190, OMIM 615440.

Submission:

Labcorp Genetics (formerly Invitae), Labcorp
Classification: Uncertain significance for Combined oxidative phosphorylation defect type 17. Last evaluated: 2024-06-04. Review status: criteria provided, single submitter. Criteria: Invitae Variant Classification Sherloc (09022015). Collection method: clinical testing. Allele origin: germline.
Comment: This sequence change replaces leucine, which is neutral and non-polar, with valine, which is neutral and non-polar, at codon 787 of the ELAC2 protein (p.Leu787Val). This variant is not present in population databases (gnomAD no frequency). This variant has not been reported in the literature in individuals affected with ELAC2-related conditions. Algorithms developed to predict the effect of missense changes on protein structure and function output the following: SIFT: "Not Available"; PolyPhen-2: "Benign"; Align-GVGD: "Not Available". The valine amino acid residue is found in multiple mammalian species, which suggests that this missense change does not adversely affect protein function. In summary, the available evidence is currently insufficient to determine the role of this variant in disease. Therefore, it has been classified as a Variant of Uncertain Significance.